The following is an entry in ClinVar:

NM_001130987.2(DYSF):c.889-6C>T

Gene: DYSF (dysferlin; plus strand). Cytogenetic location: 2p13.2.
Variant type: single nucleotide variant.
Coding change: c.889-6C>T on transcript NM_001130987.2 (MANE Select); 6 bases into the intron before coding-DNA position 889, C replaced by T.
Molecular consequence: intron variant.
Genome position (GRCh38, 1-based): chr2:71,516,174, C>T. VCF-style: chr2-71516174-C-T. GRCh37 (hg19) VCF-style: chr2-71743304-C-T.
Other names: c.886-6C>T (NM_001130979.2, NM_001130981.2, NM_001130980.2); c.793-6C>T (NM_001130978.2, NM_003494.4, NM_001130977.2 and 1 more transcripts); c.889-6C>T (NM_001130982.2, NM_001130985.2); c.796-6C>T (NM_001130983.2, NM_001130455.2, NM_001130984.2 and 1 more transcripts).
Identifiers: ClinVar variation 515787 (VCV000515787.12), dbSNP rs370223980, ClinGen allele CA1705510.

ClinVar aggregate classification (germline): Likely benign. Review status: criteria provided, multiple submitters, no conflicts (2 of 4 stars). 3 submissions from 3 submitters: Likely benign (3). Last evaluated 2025-03-31.

Conditions:
Neuromuscular disease caused by qualitative or quantitative defects of dysferlin. Also called: Dysferlinopathy; Qualitative or quantitative defects of dysferlin. Identifiers: Orphanet 207073, MedGen C2931687, MONDO:0016145.

Allele frequency attached by ClinVar (database versions not stated): gnomAD exomes below 0.00001 and 0.00002; TOPMed below 0.00001; ExAC 0.00001; gnomAD 0.00003; ESP Exome Variant Server 0.00008.
gnomAD v4.1: 35 of 1,614,144 alleles (0.0022%); highest among the groups gnomAD compares: Non-Finnish European, 0.0027%; no homozygotes.

Submissions (3):

Labcorp Genetics (formerly Invitae), Labcorp
Classification: Likely benign for Neuromuscular disease caused by qualitative or quantitative defects of dysferlin. Last evaluated: 2025-03-31. Review status: criteria provided, single submitter. Criteria: Invitae Variant Classification Sherloc (09022015). Collection method: clinical testing. Allele origin: germline.

Blueprint Genetics
Classification: Likely benign. Last evaluated: 2023-06-12. Review status: criteria provided, single submitter. Criteria: ACMG Guidelines, 2015. Collection method: clinical testing. Allele origin: germline.

GeneDx
Classification: Likely benign. Last evaluated: 2018-03-06. Review status: criteria provided, single submitter. Criteria: GeneDx Variant Classification (06012015). Collection method: clinical testing. Allele origin: germline. Affected: yes.
Comment: This variant is considered likely benign or benign based on one or more of the following criteria: it is a conservative change, it occurs at a poorly conserved position in the protein, it is predicted to be benign by multiple in silico algorithms, and/or has population frequency not consistent with disease.